The following is an entry in ClinVar:

ClinVar aggregate classification (germline): Uncertain significance. Review status: criteria provided, multiple submitters, no conflicts (2 of 4 stars). 2 submissions from 2 submitters: Uncertain significance (2). Last evaluated 2025-03-05.

Conditions:
Hereditary cancer-predisposing syndrome. Also called: Neoplastic Syndromes, Hereditary; Tumor predisposition; Hereditary Cancer Syndrome; Hereditary neoplastic syndrome. Identifiers: Orphanet 140162, MedGen C0027672, MeSH D009386, MONDO:0015356.
Familial cancer of breast. Also called: BREAST CANCER, FAMILIAL; Hereditary breast cancer; hereditary breast carcinoma. Identifiers: Orphanet 227535, MedGen C0346153, MONDO:0016419, OMIM 114480. Disease mechanism: loss of function.

Submissions (2):

Labcorp Genetics (formerly Invitae), Labcorp
Classification: Uncertain significance for Familial cancer of breast. Last evaluated: 2025-03-05. Review status: criteria provided, single submitter. Criteria: Invitae Variant Classification Sherloc (09022015). Collection method: clinical testing. Allele origin: germline.
Comment: This sequence change replaces serine, which is neutral and polar, with isoleucine, which is neutral and non-polar, at codon 120 of the CHEK2 protein (p.Ser120Ile). This variant is not present in population databases (gnomAD no frequency). This variant has not been reported in the literature in individuals affected with CHEK2-related conditions. ClinVar contains an entry for this variant (Variation ID: 1733054). An algorithm developed to predict the effect of missense changes on protein structure and function (PolyPhen-2) suggests that this variant is likely to be disruptive. In summary, the available evidence is currently insufficient to determine the role of this variant in disease. Therefore, it has been classified as a Variant of Uncertain Significance.

Ambry Genetics
Classification: Uncertain significance for Hereditary cancer-predisposing syndrome. Last evaluated: 2021-03-19. Review status: criteria provided, single submitter. Criteria: Ambry Variant Classification Scheme 2023. Collection method: clinical testing. Allele origin: germline.
Comment: The p.S120I variant (also known as c.359G>T), located in coding exon 2 of the CHEK2 gene, results from a G to T substitution at nucleotide position 359. The serine at codon 120 is replaced by isoleucine, an amino acid with dissimilar properties. This amino acid position is not well conserved in available vertebrate species. In addition, the in silico prediction for this alteration is inconclusive. Since supporting evidence is limited at this time, the clinical significance of this alteration remains unclear.

NM_007194.4(CHEK2):c.359G>T (p.Ser120Ile)

Gene: CHEK2 (checkpoint kinase 2; minus strand). Cytogenetic location: 22q12.1.
Variant type: single nucleotide variant.
Coding change: c.359G>T on transcript NM_007194.4 (MANE Select); coding-DNA position 359, G replaced by T.
Protein change: p.Ser120Ile; replaces serine 120 with isoleucine.
Molecular consequence: missense variant.
Genome position (GRCh38, 1-based): chr22:28,725,328, C>A on the plus strand (G>T on the coding strand, the complement: CHEK2 is on the minus strand). VCF-style: chr22-28725328-C-A. GRCh37 (hg19) VCF-style: chr22-29121316-C-A.
Other names: c.488G>T, p.Ser163Ile (NM_001005735.3); c.-419G>T (NM_001257387.3); c.359G>T, p.Ser120Ile (NM_001349956.3, NM_145862.3); short protein forms S120I, S163I.
Identifiers: ClinVar variation 1733054 (VCV001733054.4), dbSNP rs786202246, ClinGen allele CA411108157.
Genomic context (GRCh38, chr22:28,725,328, plus strand): 5'-CTGTATGTTCGGTATTTATCTGTTCTTTTCAGCAGTGGTTCATCAAAGCAATATTCACAG[C>A]TTTTGTCCCTCCCAAACCAGTAGTTGTCATTCACACATTCTGTAATATAAAAGCATGCAT-3'
Protein context (NP_009125.1, residues 110-130): NDNYWFGRDK[Ser120Ile]CEYCFDEPLL